The following is an entry in ClinVar:

NM_001099922.3(ALG13):c.430G>C (p.Gly144Arg)

Gene: ALG13 (ALG13 UDP-N-acetylglucosaminyltransferase subunit; plus strand). Cytogenetic location: Xq23.
Variant type: single nucleotide variant.
Coding change: c.430G>C on transcript NM_001099922.3 (MANE Select); coding-DNA position 430, G replaced by C.
Protein change: p.Gly144Arg; replaces glycine 144 with arginine.
Molecular consequence: missense variant. On other transcripts: non-coding transcript variant (1).
Genome position (GRCh38, 1-based): chrX:111,708,073, G>C. VCF-style: chrX-111708073-G-C. GRCh37 (hg19) VCF-style: chrX-110951301-G-C.
Other names: c.196G>C, p.Gly66Arg (NM_001257231.2); c.118G>C, p.Gly40Arg (NM_001257234.2, NM_001257237.2, NM_001324293.1 and 1 more transcripts); c.430G>C, p.Gly144Arg (NM_001324292.2); short protein forms G144R, G40R, G66R.
Identifiers: ClinVar variation 3359814 (VCV003359814.1).

ClinVar aggregate classification (germline): Uncertain significance (1 of 4 stars; one submission).

Submission:

GeneDx
Classification: Uncertain significance. Last evaluated: 2023-06-15. Review status: criteria provided, single submitter. Criteria: GeneDx Variant Classification Process June 2021. Collection method: clinical testing. Allele origin: germline. Affected: yes.
Comment: Not observed at significant frequency in large population cohorts (gnomAD); In silico analysis supports that this missense variant does not alter protein structure/function; Has not been previously published as pathogenic or benign to our knowledge